The following is an entry in ClinVar:

NM_016562.4(TLR7):c.1168C>T (p.Leu390Phe)

Gene: TLR7 (toll like receptor 7; plus strand). Cytogenetic location: Xp22.2.
Variant type: single nucleotide variant.
Coding change: c.1168C>T on transcript NM_016562.4 (MANE Select); coding-DNA position 1168, C replaced by T.
Protein change: p.Leu390Phe; replaces leucine 390 with phenylalanine.
Molecular consequence: missense variant.
Genome position (GRCh38, 1-based): chrX:12,886,676, C>T. VCF-style: chrX-12886676-C-T. GRCh37 (hg19) VCF-style: chrX-12904795-C-T.
Other names: short protein forms L390F.
Identifiers: ClinVar variation 2854872 (VCV002854872.3), dbSNP rs2042913040, ClinGen allele CA412406799.
Genomic context (GRCh38, chrX:12,886,676, plus strand): 5'-AAAAGCCTGAAAATTCTGCGGATCAGAGGATATGTCTTTAAAGAGTTGAAAAGCTTTAAC[C>T]TCTCGCCATTACATAATCTTCAAAATCTTGAAGTTCTTGATCTTGGCACTAACTTTATAA-3'
Protein context (NP_057646.1, residues 380-400): YVFKELKSFN[Leu390Phe]SPLHNLQNLE

ClinVar aggregate classification (germline): Uncertain significance (1 of 4 stars; one submission).

Submission:

Labcorp Genetics (formerly Invitae), Labcorp
Classification: Uncertain significance. Last evaluated: 2023-10-09. Review status: criteria provided, single submitter. Criteria: Invitae Variant Classification Sherloc (09022015). Collection method: clinical testing. Allele origin: germline.
Comment: This sequence change replaces leucine, which is neutral and non-polar, with phenylalanine, which is neutral and non-polar, at codon 390 of the TLR7 protein (p.Leu390Phe). This variant is not present in population databases (gnomAD no frequency). This variant has not been reported in the literature in individuals affected with TLR7-related conditions. An algorithm developed to predict the effect of missense changes on protein structure and function (PolyPhen-2) suggests that this variant is likely to be disruptive. In summary, the available evidence is currently insufficient to determine the role of this variant in disease. Therefore, it has been classified as a Variant of Uncertain Significance.